The following is an entry in ClinVar:

ClinVar aggregate classification (germline): Benign. Review status: criteria provided, multiple submitters, no conflicts (2 of 4 stars). 2 submissions from 2 submitters: Benign (2). Last evaluated 2018-01-12.

Conditions:
Hermansky-Pudlak syndrome 1 (HPS1). Also called: DELTA STORAGE POOL DISEASE. Identifiers: Orphanet 231500, Orphanet 79430, MedGen C2931875, MONDO:0008748, OMIM 203300.

Allele frequency attached by ClinVar (database versions not stated): gnomAD exomes 0.00067; 1000 Genomes Project 0.00879; gnomAD 0.00936 and 0.01003; 1000 Genomes Project 30x 0.00968; TOPMed 0.01069.

Submissions (2):

Illumina Laboratory Services, Illumina
Classification: Benign for Hermansky-Pudlak syndrome 1. Last evaluated: 2018-01-12. Review status: criteria provided, single submitter. Criteria: ICSL Variant Classification Criteria 13 December 2019. Collection method: clinical testing. Allele origin: germline.
Comment: This variant was observed in the ICSL laboratory as part of a predisposition screen in an ostensibly healthy population. It had not been previously curated by ICSL or reported in the Human Gene Mutation Database (HGMD: prior to June 1st, 2018), and was therefore a candidate for classification through an automated scoring system. Utilizing variant allele frequency, disease prevalence and penetrance estimates, and inheritance mode, an automated score was calculated to assess if this variant is too frequent to cause the disease. Based on the score and internal cut-off values, a variant classified as benign is not then subjected to further curation. The score for this variant resulted in a classification of benign for this disease.

Breakthrough Genomics
Classification: Benign. Review status: criteria provided, single submitter. Criteria: ACMG Guidelines, 2015. Collection method: not provided. Allele origin: germline. Inheritance: Autosomal recessive inheritance. Affected: yes.

NM_000195.5(HPS1):c.*460C>T

Gene: HPS1 (HPS1 biogenesis of lysosomal organelles complex 3 subunit 1; minus strand). Cytogenetic location: 10q24.2.
Variant type: single nucleotide variant.
Coding change: c.*460C>T on transcript NM_000195.5 (MANE Select); 460 bases downstream of the stop codon, C replaced by T.
Molecular consequence: 3 prime UTR variant.
Genome position (GRCh38, 1-based): chr10:98,417,104, G>A on the plus strand (C>T on the coding strand, the complement: HPS1 is on the minus strand). VCF-style: chr10-98417104-G-A. GRCh37 (hg19) VCF-style: chr10-100176861-G-A.
Other names: c.*460C>T (NM_001311345.2, NM_001322476.2, NM_001322477.2 and 10 more transcripts).
Identifiers: ClinVar variation 298328 (VCV000298328.6), dbSNP rs114794063, ClinGen allele CA10636658.